The following is an entry in ClinVar:

NM_000455.5(STK11):c.464+1G>C

Gene: STK11 (serine/threonine kinase 11; plus strand). Cytogenetic location: 19p13.3.
Variant type: single nucleotide variant.
Coding change: c.464+1G>C on transcript NM_000455.5 (MANE Select); the canonical splice donor site of the intron after coding-DNA position 464, G replaced by C.
Molecular consequence: splice donor variant.
Genome position (GRCh38, 1-based): chr19:1,219,414, G>C. VCF-style: chr19-1219414-G-C. GRCh37 (hg19) VCF-style: chr19-1219413-G-C.
Other names: c.464+1G>C (NM_001407255.1).
Identifiers: ClinVar variation 1742107 (VCV001742107.2), dbSNP rs730881971, ClinGen allele CA402948407.

ClinVar aggregate classification (germline): Likely pathogenic (1 of 4 stars; one submission).

Conditions:
Hereditary cancer-predisposing syndrome. Also called: Hereditary Cancer Syndrome; Hereditary neoplastic syndrome; Neoplastic Syndromes, Hereditary; Tumor predisposition. Identifiers: Orphanet 140162, MedGen C0027672, MeSH D009386, MONDO:0015356.

Submission:

Ambry Genetics
Classification: Likely pathogenic for Hereditary cancer-predisposing syndrome. Last evaluated: 2021-05-06. Review status: criteria provided, single submitter. Criteria: Ambry Variant Classification Scheme 2023. Collection method: clinical testing. Allele origin: germline.
Comment: The c.464+1G>C intronic variant results from a G to C substitution one nucleotide after coding exon 3 of the STK11 gene. This variant is considered to be rare based on population cohorts in the Genome Aggregation Database (gnomAD). This nucleotide position is highly conserved in available vertebrate species. In silico splice site analysis predicts that this alteration will weaken the native splice donor site; however, direct evidence is insufficient at this time (Ambry internal data). Alterations that disrupt the canonical splice site are expected to cause aberrant splicing, resulting in an abnormal protein or a transcript that is subject to nonsense-mediated mRNA decay. As such, this alteration is classified as likely pathogenic.